The following is an entry in ClinVar:

NM_001184.4(ATR):c.5078G>T (p.Ser1693Ile)

Gene: ATR (ATR serine/threonine kinase; minus strand). Cytogenetic location: 3q23.
Variant type: single nucleotide variant.
Coding change: c.5078G>T on transcript NM_001184.4 (MANE Select); coding-DNA position 5078, G replaced by T.
Protein change: p.Ser1693Ile; replaces serine 1693 with isoleucine.
Molecular consequence: missense variant.
Genome position (GRCh38, 1-based): chr3:142,505,257, C>A on the plus strand (G>T on the coding strand, the complement: ATR is on the minus strand). VCF-style: chr3-142505257-C-A. GRCh37 (hg19) VCF-style: chr3-142224099-C-A.
Other names: c.4886G>T, p.Ser1629Ile (NM_001354579.2); short protein forms S1693I, S1629I.
Identifiers: ClinVar variation 3332255 (VCV003332255.1).
Genomic context (GRCh38, chr3:142,505,257, plus strand): 5'-CCAAGGCTTTCATGTTCAAGGATCTGTTCTTTTAGAGATGGTTCTGCCTTTCTAATTGCA[C>A]TGACTCCGGCCACTCCATCAGGTTCATGCATAGCAGCATACAATTTCTTTGTTCAATGAT-3'
Protein context (NP_001175.2, residues 1683-1703): MHEPDGVAGV[Ser1693Ile]AIRKAEPSLK

ClinVar aggregate classification (germline): Uncertain significance (1 of 4 stars; one submission).

Conditions:
Inborn genetic diseases. Identifiers: MedGen C0950123, MeSH D030342.

Submission:

Ambry Genetics
Classification: Uncertain significance for Inborn genetic diseases. Last evaluated: 2024-06-23. Review status: criteria provided, single submitter. Criteria: Ambry Variant Classification Scheme 2023. Collection method: clinical testing. Allele origin: germline.
Comment: The p.S1693I variant (also known as c.5078G>T), located in coding exon 29 of the ATR gene, results from a G to T substitution at nucleotide position 5078. The serine at codon 1693 is replaced by isoleucine, an amino acid with dissimilar properties. This amino acid position is conserved. In addition, the in silico prediction for this alteration is inconclusive. Based on the available evidence, the clinical significance of this variant remains unclear.